The following is an entry in ClinVar:

NM_025114.4(CEP290):c.5903G>T (p.Gly1968Val)

Gene: CEP290 (centrosomal protein 290; minus strand). Cytogenetic location: 12q21.32.
Variant type: single nucleotide variant.
Coding change: c.5903G>T on transcript NM_025114.4 (MANE Select); coding-DNA position 5903, G replaced by T.
Protein change: p.Gly1968Val; replaces glycine 1968 with valine.
Molecular consequence: missense variant.
Genome position (GRCh38, 1-based): chr12:88,071,402, C>A on the plus strand (G>T on the coding strand, the complement: CEP290 is on the minus strand). VCF-style: chr12-88071402-C-A. GRCh37 (hg19) VCF-style: chr12-88465179-C-A.
Other names: short protein forms G1968V.
Identifiers: ClinVar variation 3350249 (VCV003350249.1).

ClinVar aggregate classification (germline): Uncertain significance (0 of 4 stars; one submission).

Conditions:
CEP290-related disorder. Also called: CEP290-related condition; CEP290-related disorders. Identifiers: MedGen CN239314.

Submission:

PreventionGenetics, part of Exact Sciences
Classification: Uncertain significance for CEP290-related condition. Last evaluated: 2024-07-10. Review status: no assertion criteria provided. Collection method: clinical testing. Allele origin: germline.
Comment: The CEP290 c.5903G>T variant is predicted to result in the amino acid substitution p.Gly1968Val. To our knowledge, this variant has not been reported in the literature or in a large population database, indicating this variant is rare. At this time, the clinical significance of this variant is uncertain due to the absence of conclusive functional and genetic evidence.